The following is an entry in ClinVar:

ClinVar aggregate classification (germline): Uncertain significance. Review status: criteria provided, multiple submitters, no conflicts (2 of 4 stars). 2 submissions from 2 submitters: Uncertain significance (2). Last evaluated 2025-12-06.

gnomAD v4.1: 2 of 1,614,158 alleles (0.00012%); highest among the groups gnomAD compares: East Asian, 0.0022%; no homozygotes.

Submissions (2):

Labcorp Genetics (formerly Invitae), Labcorp
Classification: Uncertain significance. Last evaluated: 2025-12-06. Review status: criteria provided, single submitter. Criteria: Invitae Variant Classification Sherloc (09022015). Collection method: clinical testing. Allele origin: germline.
Comment: This sequence change replaces glycine, which is neutral and non-polar, with arginine, which is basic and polar, at codon 133 of the MCM4 protein (p.Gly133Arg). This variant is present in population databases (no rsID available, gnomAD 0.0009%). This variant has not been reported in the literature in individuals affected with MCM4-related conditions. ClinVar contains an entry for this variant (Variation ID: 3871290). An algorithm developed to predict the effect of missense changes on protein structure and function (PolyPhen-2) suggests that this variant is likely to be tolerated. In summary, the available evidence is currently insufficient to determine the role of this variant in disease. Therefore, it has been classified as a Variant of Uncertain Significance.

Ambry Genetics
Classification: Uncertain significance. Last evaluated: 2025-02-19. Review status: criteria provided, single submitter. Criteria: Ambry Variant Classification Scheme 2023. Collection method: clinical testing. Allele origin: germline.

NM_182746.3(MCM4):c.397G>A (p.Gly133Arg)

Gene: MCM4 (minichromosome maintenance complex component 4; plus strand). Cytogenetic location: 8q11.21.
Variant type: single nucleotide variant.
Coding change: c.397G>A on transcript NM_182746.3 (MANE Select); coding-DNA position 397, G replaced by A.
Protein change: p.Gly133Arg; replaces glycine 133 with arginine.
Molecular consequence: missense variant.
Genome position (GRCh38, 1-based): chr8:47,962,214, G>A. VCF-style: chr8-47962214-G-A. GRCh37 (hg19) VCF-style: chr8-48874774-G-A.
Other names: c.397G>A, p.Gly133Arg (NM_005914.4); short protein forms G133R.
Identifiers: ClinVar variation 3871290 (VCV003871290.2).